The following is an entry in ClinVar:

NM_004577.4(PSPH):c.595A>C (p.Asn199His)

Gene: PSPH (phosphoserine phosphatase; minus strand). Cytogenetic location: 7p11.2.
Variant type: single nucleotide variant.
Coding change: c.595A>C on transcript NM_004577.4 (MANE Select); coding-DNA position 595, A replaced by C.
Protein change: p.Asn199His; replaces asparagine 199 with histidine.
Molecular consequence: missense variant.
Genome position (GRCh38, 1-based): chr7:56,011,845, T>G on the plus strand (A>C on the coding strand, the complement: PSPH is on the minus strand). VCF-style: chr7-56011845-T-G. GRCh37 (hg19) VCF-style: chr7-56079538-T-G.
Other names: c.595A>C, p.Asn199His (NM_001370503.1, NM_001370504.1, NM_001370505.1 and 17 more transcripts); short protein forms N199H.
Identifiers: ClinVar variation 2196737 (VCV002196737.1), dbSNP rs1050709633, ClinGen allele CA159013584.
Genomic context (GRCh38, chr7:56,011,845, plus strand): 5'-GCTCTACAAAATCAGTGATATACCATTTGGCGTTATCCTTGACTTGTTGCCTGATCACAT[T>G]TCCTCCAAATCCAATGAAAGCATCCTAAGAAGGAAGAAAAGAGAGAGAAATGATTTTTAT-3'
Protein context (NP_004568.2, residues 189-209): PADAFIGFGG[Asn199His]VIRQQVKDNA

ClinVar aggregate classification (germline): Uncertain significance (1 of 4 stars; one submission).

Conditions:
Deficiency of phosphoserine phosphatase (PSPHD). Also called: PSPH deficiency; Phosphoserine phosphatase deficiency. Identifiers: Orphanet 79350, MedGen C1291463, MONDO:0013531, OMIM 614023.

Allele frequency attached by ClinVar (database versions not stated): TOPMed 0.00001.

Submission:

Labcorp Genetics (formerly Invitae), Labcorp
Classification: Uncertain significance for Deficiency of phosphoserine phosphatase. Last evaluated: 2022-02-28. Review status: criteria provided, single submitter. Criteria: Invitae Variant Classification Sherloc (09022015). Collection method: clinical testing. Allele origin: germline.
Comment: This sequence change replaces asparagine, which is neutral and polar, with histidine, which is basic and polar, at codon 199 of the PSPH protein (p.Asn199His). This variant is not present in population databases (gnomAD no frequency). This variant has not been reported in the literature in individuals affected with PSPH-related conditions. Algorithms developed to predict the effect of missense changes on protein structure and function are either unavailable or do not agree on the potential impact of this missense change (SIFT: "Tolerated"; PolyPhen-2: "Probably Damaging"; Align-GVGD: "Class C0"). In summary, the available evidence is currently insufficient to determine the role of this variant in disease. Therefore, it has been classified as a Variant of Uncertain Significance.